The following is an entry in ClinVar:

Single allele

Variant type: Deletion.
Identifiers: ClinVar variation 156936 (VCV000156936.2).

ClinVar aggregate classification (germline): not provided (0 of 4 stars; one submission).

Conditions:
Normal pregnancy. Identifiers: MedGen C0232989.

Submission:

Institute of Molecular and Cell Biology, University of Tartu
No classification provided. Condition: Normal pregnancy. Review status: no classification provided. Collection method: case-control. Allele origin: unknown. Affected: yes. Study: Kasak2014.
Comment: The study aimed to determine the contribution of copy number variants in the genetic etiology of normal and complicated pregnancies. The samples represented (i) maternal blood DNA drawn from healthy pregnant women during 1st or 2nd trimester and (ii) maternal and paternal blood DNA drawn at term pregnancy cases representing normal and complicated gestations (severe preeclampsia, PE; gestational diabetes, GD; small-for-gestational age newborn, SGA; large-for-gestational age newborn, LGA). We performed CNV calling based on genome-wide genotyping dataset (Illumina HumanOmniExpress-24-v1 BeadChip) by applying three algorithms, QuantiSNP, GADA (Genome Alteration Detection Algorithm) and CNstream in parallel. The acquired CNV calls were merged with HD-CNV (Hotspot Detector for Copy Number Variants) program and only the CNVs predicted by at least two programs, were considered in subsequent analysis.

Literature cited by the submitters: PubMed 25666259.